The following is an entry in ClinVar:

ClinVar aggregate classification (germline): Conflicting classifications of pathogenicity. Review status: criteria provided, conflicting classifications (1 of 4 stars). 32 submissions from 29 submitters: Uncertain significance (4); Benign (3); Likely benign (13). 12 of the submissions do not count toward it. Last evaluated 2026-07-01.

Conditions:
DSP-related disorder. Also called: DSP-related condition; DSP-related disorders.
Cardiovascular phenotype. Identifiers: MedGen CN230736.
Arrhythmogenic right ventricular cardiomyopathy (ARVD). Also called: Arrhythmogenic cardiomyopathy; Cardiomyopathy, ARVC; Arrhythmogenic right ventricular dysplasia; Arrhythmogenic Right Ventricular Cardiomyopathy (ARVC). Identifiers: Orphanet 247, MedGen C0349788, MeSH D019571, MONDO:0016587. Disease mechanism: loss of function. Inheritance: Various modes of inheritance.
Arrhythmogenic cardiomyopathy with wooly hair and keratoderma. Also called: Arrhythmogenic cardiomyopathy with woolly hair and keratoderma; Carvajal syndrome; PALMOPLANTAR KERATODERMA WITH LEFT VENTRICULAR CARDIOMYOPATHY AND WOOLLY HAIR; Dilated cardiomyopathy with woolly hair and keratoderma. Identifiers: Orphanet 65282, MedGen C1854063, MONDO:0011581, OMIM 605676.
Arrhythmogenic right ventricular dysplasia 8 (ARVD8). Also called: ARRHYTHMOGENIC RIGHT VENTRICULAR DYSPLASIA, FAMILIAL, 8; ARRHYTHMOGENIC RIGHT VENTRICULAR CARDIOMYOPATHY 8; Arrhythmogenic Right Ventricular Dysplasia/Cardiomyopathy 8. Identifiers: MedGen C1843896, MONDO:0011831, OMIM 607450.
Cardiomyopathy (CMYO). Also called: Cardiomyopathies. Identifiers: Orphanet 167848, MedGen C0878544, MONDO:0004994, HP:0001638. Inheritance: Various modes of inheritance.
Lethal acantholytic epidermolysis bullosa (EBLA). Identifiers: Orphanet 158687, MedGen C1864826, MONDO:0012323, OMIM 609638.
Keratosis palmoplantaris striata 2. Also called: KERATODERMA, PALMOPLANTAR, STRIATE FORM II; STRIATE PALMOPLANTAR KERATODERMA II; Keratosis palmoplantaris striata II. Identifiers: MedGen C1852127, MONDO:0013034, OMIM 612908.
Woolly hair-skin fragility syndrome (WHSF). Identifiers: Orphanet 293165, MedGen C1843292, MONDO:0957307, OMIM 620415.
Right ventricular cardiomyopathy. Identifiers: MedGen C2063326, HP:0011663.

Allele frequency attached by ClinVar (database versions not stated): gnomAD exomes 0.00136 and 0.00159; 1000 Genomes Project 0.00220; gnomAD 0.00094 and 0.00116; TOPMed 0.00123; 1000 Genomes Project 30x 0.00219; ExAC 0.00311.
gnomAD v4.1: 2,131 of 1,595,514 alleles (0.13%); highest among the groups gnomAD compares: Middle Eastern, 0.81%; 5 homozygotes.

Submissions 1 to 16 of 32:

CeGaT Center for Human Genetics Tuebingen
Classification: Likely benign. Last evaluated: 2026-07-01. Review status: criteria provided, single submitter. Criteria: CeGaT Center For Human Genetics Tuebingen Variant Classification Criteria Version 2. Collection method: clinical testing. Allele origin: germline. Affected: yes. Observed: 33 variant alleles.
Comment: DSP: BS2

Labcorp Genetics (formerly Invitae), Labcorp
Classification: Benign for Arrhythmogenic cardiomyopathy with wooly hair and keratoderma; Arrhythmogenic right ventricular dysplasia 8. Last evaluated: 2026-01-31. Review status: criteria provided, single submitter. Criteria: Invitae Variant Classification Sherloc (09022015). Collection method: clinical testing. Allele origin: germline.

Molecular Diagnostic Laboratory for Inherited Cardiovascular Disease, Montreal Heart Institute
Classification: Likely benign. Last evaluated: 2025-02-17. Review status: criteria provided, single submitter. Criteria: ACMG Guidelines, 2015. Collection method: clinical testing. Allele origin: germline. Affected: no.
Comment: BS1,BP4

Blueprint Genetics
Classification: Likely benign. Last evaluated: 2024-11-19. Review status: criteria provided, single submitter. Criteria: ACMG Guidelines, 2015. Collection method: clinical testing. Allele origin: germline.

All of Us Research Program, National Institutes of Health
Classification: Likely benign for Arrhythmogenic cardiomyopathy with wooly hair and keratoderma. Last evaluated: 2024-02-05. Review status: criteria provided, single submitter. Criteria: ACMG Guidelines, 2015. Collection method: clinical testing. Allele origin: germline. Inheritance: Autosomal dominant inheritance. Observed: 359 variant alleles, 359 heterozygotes.
Comment: This study involves interpretation of variants in research participants for the purpose of population health screening. Participant phenotype was not available at the time of variant classification. Additional details can be found in publication PMID: 35346344, PMCID: PMC8962531

Women's Health and Genetics/Laboratory Corporation of America, LabCorp
Classification: Benign. Last evaluated: 2021-10-11. Review status: criteria provided, single submitter. Criteria: LabCorp Variant Classification Summary - May 2015. Collection method: clinical testing. Allele origin: germline.
Comment: Variant summary: DSP c.88G>A (p.Val30Met) results in a conservative amino acid change in the encoded protein sequence. Four of five in-silico tools predict a benign effect of the variant on protein function. The variant allele was found at a frequency of 0.0016 in 212604 control chromosomes, predominantly at a frequency of 0.0043 within the South Asian subpopulation in the gnomAD database, including 1 homozygotes. The observed variant frequency within South Asian control individuals in the gnomAD database is approximately 22 fold of the estimated maximal expected allele frequency for a pathogenic variant in DSP causing Arrhythmogenic Right Ventricular Dysplasia/Cardiomyopathy phenotype (0.0002), strongly suggesting that the variant is a benign polymorphism found primarily in populations of South Asian origin. c.88G>A has been reported in the literature in individuals affected with Arrhythmogenic Right Ventricular Dysplasia/Cardiomyopathy (e.g. Yang_2006, Bauce_2010, Xu_2010, Rasmussen_2013, Rasmussen_2013, Bhonsale_2013, Rigato_2013). These data do not allow any conclusion about variant significance. At least one publication reports experimental evidence evaluating an impact on protein function. These results showed no damaging effect of this variant (Rasmussen_2012). Fourteen clinical diagnostic laboratories have submitted clinical-significance assessments for this variant to ClinVar after 2014 without evidence for independent evaluation. Multiple laboratories reported the variant with conflicting assessments (Benign/likely benign n=9, VUS n=3). Based on the evidence outlined above, the variant was classified as benign.

GeneDx
Classification: Likely benign. Last evaluated: 2020-08-20. Review status: criteria provided, single submitter. Criteria: GeneDx Variant Classification Process June 2021. Collection method: clinical testing. Allele origin: germline. Affected: yes.
Comment: This variant is associated with the following publications: (PMID: 32268277, 31028938, 25637381, 16917092, 20152563, 21636032, 23137101, 23671136, 24070718, 20129281, 23861362, 26656175, 27153395, 26332594, 26569459, 23299917, 28473349, 25985138, 27435932, 28798025, 31019283, 31402444, 33232181)

Institute of Human Genetics, University of Leipzig Medical Center
Classification: Likely benign for Arrhythmogenic right ventricular dysplasia 8. Last evaluated: 2019-01-01. Review status: criteria provided, single submitter. Criteria: ACMG Guidelines, 2015. Collection method: clinical testing. Allele origin: unknown. Affected: yes.

Equipe Genetique des Anomalies du Developpement, Université de Bourgogne
Classification: Uncertain significance for Arrhythmogenic right ventricular dysplasia 8. Last evaluated: 2018-11-21. Review status: criteria provided, single submitter. Criteria: ACMG Guidelines, 2015. Collection method: clinical testing. Allele origin: unknown.

Ambry Genetics
Classification: Benign for Cardiovascular phenotype. Last evaluated: 2018-10-30. Review status: criteria provided, single submitter. Criteria: Ambry Variant Classification Scheme 2023. Collection method: clinical testing. Allele origin: germline.

CHEO Genetics Diagnostic Laboratory, Children's Hospital of Eastern Ontario
Classification: Likely benign for Cardiomyopathy. Last evaluated: 2018-07-27. Review status: criteria provided, single submitter. Criteria: ACMG Guidelines, 2015. Collection method: clinical testing. Allele origin: germline.

Color Diagnostics, LLC DBA Color Health
Classification: Likely benign for Cardiomyopathy. Last evaluated: 2018-03-14. Review status: criteria provided, single submitter. Criteria: ACMG Guidelines, 2015. Collection method: clinical testing. Allele origin: germline.

Illumina Laboratory Services, Illumina
Classification: Likely benign for Arrhythmogenic right ventricular dysplasia 8. Last evaluated: 2018-03-06. Review status: criteria provided, single submitter. Criteria: ICSL Variant Classification Criteria 13 December 2019. Collection method: clinical testing. Allele origin: germline.
Comment: This variant was observed in the ICSL laboratory as part of a predisposition screen in an ostensibly healthy population. It had not been previously curated by ICSL or reported in the Human Gene Mutation Database (HGMD: prior to June 1st, 2018), and was therefore a candidate for classification through an automated scoring system. Utilizing variant allele frequency, disease prevalence and penetrance estimates, and inheritance mode, an automated score was calculated to assess if this variant is too frequent to cause the disease. Based on the score and internal cut-off values, a variant classified as likely benign is not then subjected to further curation. The score for this variant resulted in a classification of likely benign for this disease.

Illumina Laboratory Services, Illumina
Classification: Likely benign for Arrhythmogenic cardiomyopathy with wooly hair and keratoderma. Last evaluated: 2018-03-06. Review status: criteria provided, single submitter. Criteria: ICSL Variant Classification Criteria 13 December 2019. Collection method: clinical testing. Allele origin: germline.
Comment: the same text as in the submission from Illumina Laboratory Services, Illumina above.

Illumina Laboratory Services, Illumina
Classification: Likely benign for Lethal acantholytic epidermolysis bullosa. Last evaluated: 2018-03-06. Review status: criteria provided, single submitter. Criteria: ICSL Variant Classification Criteria 13 December 2019. Collection method: clinical testing. Allele origin: germline.
Comment: the same text as in the submission from Illumina Laboratory Services, Illumina above.

Genomic Diagnostic Laboratory, Division of Genomic Diagnostics, Children's Hospital of Philadelphia
Classification: Uncertain significance for Arrhythmogenic right ventricular cardiomyopathy. Last evaluated: 2015-06-25. Review status: criteria provided, single submitter. Criteria: DGD Variant Analysis Guidelines. Collection method: clinical testing. Allele origin: unknown.

NM_004415.4(DSP):c.88G>A (p.Val30Met)

Genes: DSP (desmoplakin; plus strand), DSP-AS1 (DSP antisense RNA 1; minus strand). Cytogenetic location: 6p24.3.
Variant type: single nucleotide variant.
Coding change: c.88G>A on transcript NM_004415.4 (MANE Select); coding-DNA position 88, G replaced by A.
Protein change: p.Val30Met; replaces valine 30 with methionine.
Molecular consequence: missense variant.
Genome position (GRCh38, 1-based): chr6:7,542,003, G>A. VCF-style: chr6-7542003-G-A. GRCh37 (hg19) VCF-style: chr6-7542236-G-A.
Other names: p.V30M:GTG>ATG; DSP, VAL30MET (rs121912998); c.88G>A, p.Val30Met (NM_001008844.3, NM_001319034.2); short protein forms V30M.
Identifiers: ClinVar variation 16846 (VCV000016846.83), dbSNP rs121912998, ClinGen allele CA004702.